The following is an entry in ClinVar:

NM_001382347.1(MYO5A):c.2208+8T>C

Genes: MYO5A (myosin VA; minus strand), LOC130057087 (ATAC-STARR-seq lymphoblastoid active region 9427; plus strand). Cytogenetic location: 15q21.2.
Variant type: single nucleotide variant.
Coding change: c.2208+8T>C on transcript NM_001382347.1 (MANE Select); 8 bases into the intron after coding-DNA position 2208, T replaced by C.
Molecular consequence: intron variant.
Genome position (GRCh38, 1-based): chr15:52,379,617, A>G on the plus strand (T>C on the coding strand, the complement: MYO5A is on the minus strand). VCF-style: chr15-52379617-A-G. GRCh37 (hg19) VCF-style: chr15-52671814-A-G.
Other names: c.2208+8T>C (NM_000259.3, NM_001411135.1, NM_001142495.2); c.2280+8T>C (NM_001382349.1, NM_001382348.1).
Identifiers: ClinVar variation 2915645 (VCV002915645.5), dbSNP rs748803995, ClinGen allele CA7568766.
Genomic context (GRCh38, chr15:52,379,617, plus strand): 5'-CCGGGGCTTTCCAAGGTCAGAACCACAAGGCCTTCTGCTCAGATGACGGTAAGCGAAATC[A>G]TTCTCACCAGTATCAGTTTCTCTAACACATTCTTGCATGTTTGCTTTCTGTCACTCAGCA-3'

ClinVar aggregate classification (germline): Likely benign. Review status: criteria provided, single submitter (1 of 4 stars). 2 submissions from 2 submitters: Likely benign (1). 1 of the submissions does not count toward it. Last evaluated 2023-02-05.

Conditions:
MYO5A-related disorder. Also called: MYO5A-related condition.

Allele frequency attached by ClinVar (database versions not stated): gnomAD exomes 0.00004; TOPMed 0.00009; ExAC 0.00011; gnomAD 0.00012.
gnomAD v4.1: 75 of 1,611,404 alleles (0.0047%); highest among the groups gnomAD compares: Admixed American, 0.015%; no homozygotes.

Submissions (2):

Labcorp Genetics (formerly Invitae), Labcorp
Classification: Likely benign. Last evaluated: 2023-02-05. Review status: criteria provided, single submitter. Criteria: Invitae Variant Classification Sherloc (09022015). Collection method: clinical testing. Allele origin: germline.

PreventionGenetics, part of Exact Sciences
Classification: Likely benign for MYO5A-related condition. Last evaluated: 2019-10-11. Review status: no assertion criteria provided. Collection method: clinical testing. Allele origin: germline. Not counted in ClinVar's aggregate classification.
Comment: This variant is classified as likely benign based on ACMG/AMP sequence variant interpretation guidelines (Richards et al. 2015 PMID: 25741868, with internal and published modifications).